The following is an entry in ClinVar:

NM_033380.3(COL4A5):c.2536G>A (p.Gly846Arg)

Gene: COL4A5 (collagen type IV alpha 5 chain; plus strand). Cytogenetic location: Xq22.3.
Variant type: single nucleotide variant.
Coding change: c.2536G>A on transcript NM_033380.3 (MANE Select); coding-DNA position 2536, G replaced by A.
Protein change: p.Gly846Arg; replaces glycine 846 with arginine.
Molecular consequence: missense variant.
Genome position (GRCh38, 1-based): chrX:108,620,285, G>A. VCF-style: chrX-108620285-G-A. GRCh37 (hg19) VCF-style: chrX-107863515-G-A.
Other names: c.2536G>A, p.Gly846Arg (NM_000495.5); short protein forms G846R.
Identifiers: ClinVar variation 4818583 (VCV004818583.1).

ClinVar aggregate classification (germline): Likely pathogenic (1 of 4 stars; one submission).

Conditions:
X-linked Alport syndrome (ATS1). Also called: NEPHROPATHY AND DEAFNESS, X-LINKED; COL4A5-Related Nephropathy. Identifiers: Orphanet 63, Orphanet 88917, MedGen C4746986, MONDO:0010520, OMIM 301050.

Submission:

Natera, Inc.
Classification: Likely pathogenic for X-linked Alport syndrome. Last evaluated: 2025-09-05. Review status: criteria provided, single submitter. Criteria: Natera Variant Classification Schema (03/2026). Collection method: clinical testing. Allele origin: germline.
Comment: The c.2536G>A variant in COL4A5 is a missense variant predicted to cause substitution of glycine to arginine at amino acid 846. This variant is rare in the general population with a frequency below the threshold expected for the associated phenotype(s). This variant is located in a functionally critical region of the protein. Computational prediction algorithms indicate this variant is likely to affect gene or protein function. Given the available evidence, this variant is classified as Likely Pathogenic.